The following is an entry in ClinVar:

NM_004369.4(COL6A3):c.8966-321G>C

Gene: COL6A3 (collagen type VI alpha 3 chain; minus strand). Cytogenetic location: 2q37.3.
Variant type: single nucleotide variant.
Coding change: c.8966-321G>C on transcript NM_004369.4 (MANE Select); 321 bases into the intron before coding-DNA position 8966, G replaced by C.
Molecular consequence: intron variant.
Genome position (GRCh38, 1-based): chr2:237,335,210, C>G on the plus strand (G>C on the coding strand, the complement: COL6A3 is on the minus strand). VCF-style: chr2-237335210-C-G. GRCh37 (hg19) VCF-style: chr2-238243853-C-G.
Other names: c.7145-321G>C (NM_057166.5); c.8348-321G>C (NM_057167.4).
Identifiers: ClinVar variation 671333 (VCV000671333.1), dbSNP rs55820303, ClinGen allele CA11308288.

ClinVar aggregate classification (germline): Benign (1 of 4 stars; one submission).

Allele frequency attached by ClinVar (database versions not stated): 1000 Genomes Project 30x 0.04185; 1000 Genomes Project 0.04313; TOPMed 0.06762.
gnomAD v4.1: 10,431 of 152,144 alleles (6.9%); highest among the groups gnomAD compares: Non-Finnish European, 10%; 469 homozygotes.

Submission:

GeneDx
Classification: Benign. Last evaluated: 2018-06-16. Review status: criteria provided, single submitter. Criteria: GeneDx Variant Classification (06012015). Collection method: clinical testing. Allele origin: germline. Affected: yes.
Comment: This variant is considered likely benign or benign based on one or more of the following criteria: it is a conservative change, it occurs at a poorly conserved position in the protein, it is predicted to be benign by multiple in silico algorithms, and/or has population frequency not consistent with disease.